The following is an entry in ClinVar:

ClinVar aggregate classification (germline): Uncertain significance. Review status: criteria provided, single submitter (1 of 4 stars). 2 submissions from 2 submitters: Uncertain significance (1). 1 of the submissions does not count toward it. Last evaluated 2024-02-19.

Conditions:
NEURODEVELOPMENTAL DISORDER WITH HYPERKINETIC MOVEMENTS WITH OR WITHOUT SEIZURES, AUTOSOMAL RECESSIVE.
Neurodevelopmental disorder with or without hyperkinetic movements and seizures, autosomal dominant. Also called: Intellectual disability, autosomal dominant 8. Identifiers: MedGen C3280282, MONDO:0013655, OMIM 614254.

Submissions (2):

Labcorp Genetics (formerly Invitae), Labcorp
Classification: Uncertain significance for Neurodevelopmental disorder with or without hyperkinetic movements and seizures, autosomal dominant. Last evaluated: 2024-02-19. Review status: criteria provided, single submitter. Criteria: Invitae Variant Classification Sherloc (09022015). Collection method: clinical testing. Allele origin: germline.
Comment: This sequence change replaces arginine, which is basic and polar, with tryptophan, which is neutral and slightly polar, at codon 217 of the GRIN1 protein (p.Arg217Trp). This variant is not present in population databases (gnomAD no frequency). This missense change has been observed in individual(s) with autosomal recessive GRIN1-related conditions (PMID: 27164704). It has also been observed to segregate with disease in related individuals. ClinVar contains an entry for this variant (Variation ID: 487505). Advanced modeling of protein sequence and biophysical properties (such as structural, functional, and spatial information, amino acid conservation, physicochemical variation, residue mobility, and thermodynamic stability) has been performed at Invitae for this missense variant, however the output from this modeling did not meet the statistical confidence thresholds required to predict the impact of this variant on GRIN1 protein function. Experimental studies have shown that this missense change affects GRIN1 function (PMID: 27164704, 34884460). In summary, the available evidence is currently insufficient to determine the role of this variant in disease. Therefore, it has been classified as a Variant of Uncertain Significance.

OMIM
Classification: Pathogenic for NEURODEVELOPMENTAL DISORDER WITH HYPERKINETIC MOVEMENTS WITH OR WITHOUT SEIZURES, AUTOSOMAL RECESSIVE. Last evaluated: 2022-03-28. Review status: no assertion criteria provided. Collection method: literature only. Allele origin: germline. Not counted in ClinVar's aggregate classification.

Literature cited by the submitters: PubMed 27164704 (cited by Labcorp Genetics (formerly Invitae), Labcorp and OMIM); PubMed 34884460 (cited by Labcorp Genetics (formerly Invitae), Labcorp).

NM_007327.4(GRIN1):c.649C>T (p.Arg217Trp)

Gene: GRIN1 (glutamate ionotropic receptor NMDA type subunit 1; plus strand). Cytogenetic location: 9q34.3.
Variant type: single nucleotide variant.
Coding change: c.649C>T on transcript NM_007327.4 (MANE Select); coding-DNA position 649, C replaced by T.
Protein change: p.Arg217Trp; replaces arginine 217 with tryptophan.
Molecular consequence: missense variant.
Genome position (GRCh38, 1-based): chr9:137,149,087, C>T. VCF-style: chr9-137149087-C-T. GRCh37 (hg19) VCF-style: chr9-140043539-C-T.
Other names: c.649C>T, p.Arg217Trp (NM_000832.7, NM_021569.4); c.712C>T, p.Arg238Trp (NM_001185090.2, NM_001185091.2); short protein forms R217W, R238W.
Identifiers: ClinVar variation 487505 (VCV000487505.12), dbSNP rs200777850, ClinGen allele CA375714555.